The following is an entry in ClinVar:

NM_001709.5(BDNF):c.625C>T (p.Arg209Ter)

Genes: BDNF (brain derived neurotrophic factor; minus strand), BDNF-AS (BDNF antisense RNA; plus strand). Cytogenetic location: 11p14.1.
Variant type: single nucleotide variant.
Coding change: c.625C>T on transcript NM_001709.5 (MANE Select); coding-DNA position 625, C replaced by T.
Protein change: p.Arg209Ter; replaces arginine 209 with a stop codon.
Molecular consequence: nonsense.
Genome position (GRCh38, 1-based): chr11:27,657,940, G>A on the plus strand (C>T on the coding strand, the complement: BDNF is on the minus strand). VCF-style: chr11-27657940-G-A. GRCh37 (hg19) VCF-style: chr11-27679487-G-A.
Other names: c.625C>T, p.Arg209Ter (NM_001143805.1, NM_001143806.1, NM_001143807.2 and 9 more transcripts); c.712C>T, p.Arg238Ter (NM_001143809.2); c.871C>T, p.Arg291Ter (NM_001143810.2); c.649C>T, p.Arg217Ter (NM_170731.5); c.670C>T, p.Arg224Ter (NM_170734.4); short protein forms R224*, R291*, R238*, R209*, R217*.
Identifiers: ClinVar variation 4985907 (VCV004985907.1).

ClinVar aggregate classification (germline): Uncertain significance (1 of 4 stars; one submission).

Conditions:
BDNF-related disorder. Also called: BDNF-related condition.

Submission:

PreventionGenetics, part of Exact Sciences
Classification: Uncertain significance for BDNF-related condition. Last evaluated: 2025-05-15. Review status: criteria provided, single submitter. Criteria: ACMG Guidelines, 2015. Collection method: clinical testing. Allele origin: germline.
Comment: The BDNF c.871C>T variant is predicted to result in premature protein termination (p.Arg291*). To our knowledge, this variant has not been reported in the literature or in a large population database (gnomAD), indicating this variant is rare. To date, few chain-terminating variants have been reported in this gene in association with disease. At this time, the clinical significance of this variant is uncertain due to the absence of conclusive functional and genetic evidence.